The following is an entry in ClinVar:

ClinVar aggregate classification (germline): Uncertain significance (1 of 4 stars; one submission).

Conditions:
Autosomal recessive severe congenital neutropenia due to G6PC3 deficiency. Also called: NEUTROPENIA, SEVERE CONGENITAL, 4, AUTOSOMAL RECESSIVE; G6PC3 Deficiency. Identifiers: Orphanet 331176, MedGen C2751630, MONDO:0012930, OMIM 612541.

Allele frequency attached by ClinVar (database versions not stated): gnomAD exomes 0.00001.

Submission:

Labcorp Genetics (formerly Invitae), Labcorp
Classification: Uncertain significance for Autosomal recessive severe congenital neutropenia due to G6PC3 deficiency. Last evaluated: 2021-09-24. Review status: criteria provided, single submitter. Criteria: Invitae Variant Classification Sherloc (09022015). Collection method: clinical testing. Allele origin: germline.
Comment: This sequence change replaces asparagine with tyrosine at codon 313 of the G6PC3 protein (p.Asn313Tyr). The asparagine residue is weakly conserved and there is a large physicochemical difference between asparagine and tyrosine. This variant is not present in population databases (ExAC no frequency). This variant has not been reported in the literature in individuals with G6PC3-related conditions. Algorithms developed to predict the effect of missense changes on protein structure and function are either unavailable or do not agree on the potential impact of this missense change (SIFT: "Tolerated"; PolyPhen-2: "Possibly Damaging"; Align-GVGD: "Class C0"). In summary, the available evidence is currently insufficient to determine the role of this variant in disease. Therefore, it has been classified as a Variant of Uncertain Significance.

NM_138387.4(G6PC3):c.937A>T (p.Asn313Tyr)

Gene: G6PC3 (glucose-6-phosphatase catalytic subunit 3; plus strand). Cytogenetic location: 17q21.31.
Variant type: single nucleotide variant.
Coding change: c.937A>T on transcript NM_138387.4 (MANE Select); coding-DNA position 937, A replaced by T.
Protein change: p.Asn313Tyr; replaces asparagine 313 with tyrosine.
Molecular consequence: missense variant. On other transcripts: 3 prime UTR variant (1).
Genome position (GRCh38, 1-based): chr17:44,075,939, A>T. VCF-style: chr17-44075939-A-T. GRCh37 (hg19) VCF-style: chr17-42153307-A-T.
Other names: c.*230A>T (NM_001319945.2); c.592A>T, p.Asn198Tyr (NM_001384165.1, NM_001384166.1, NM_001384167.1 and 1 more transcripts); short protein forms N313Y, N198Y.
Identifiers: ClinVar variation 1470804 (VCV001470804.5), dbSNP rs2144156932, ClinGen allele CA399729639.